The following is an entry in ClinVar:

Single allele

Gene: CCM2 (CCM2 scaffold protein; plus strand). Cytogenetic location: 7p13.
Variant type: Deletion.
Identifiers: ClinVar variation 1256401 (VCV001256401.1).

ClinVar aggregate classification (germline): Likely pathogenic (1 of 4 stars; one submission).

Submission:

Athena Diagnostics
Classification: Likely pathogenic. Last evaluated: 2020-11-05. Review status: criteria provided, single submitter. Criteria: Athena Diagnostics criteria. Collection method: clinical testing. Allele origin: unknown.
Comment: This variant is expected to result in the loss of a functional protein. This deletion spans the last 8 exons of the CCM2 gene. Due to limitations of this analysis, the exact size of this deletion and how far it extends beyond the CCM2 gene is uncertain. This variant has not been reported in large, multi-ethnic general populations.